The following is an entry in ClinVar:

NM_001378454.1(ALMS1):c.9367C>A (p.Leu3123Met)

Gene: ALMS1 (ALMS1 centrosome and basal body associated protein; plus strand). Cytogenetic location: 2p13.1.
Variant type: single nucleotide variant.
Coding change: c.9367C>A on transcript NM_001378454.1 (MANE Select); coding-DNA position 9367, C replaced by A.
Protein change: p.Leu3123Met; replaces leucine 3123 with methionine.
Molecular consequence: missense variant.
Genome position (GRCh38, 1-based): chr2:73,491,326, C>A. VCF-style: chr2-73491326-C-A. GRCh37 (hg19) VCF-style: chr2-73718453-C-A.
Other names: c.9370C>A, p.Leu3124Met (NM_015120.4); short protein forms L3124M, L3123M.
Identifiers: ClinVar variation 1394438 (VCV001394438.3), dbSNP rs751613156, ClinGen allele CA1714644.

ClinVar aggregate classification (germline): Uncertain significance (1 of 4 stars; one submission).

Conditions:
Alstrom syndrome (ALMS). Identifiers: Orphanet 64, MedGen C0268425, MONDO:0008763, OMIM 203800.

Allele frequency attached by ClinVar (database versions not stated): gnomAD 0.00001.
gnomAD v4.1: 9 of 1,614,064 alleles (0.00056%); highest among the groups gnomAD compares: South Asian, 0.0099%; no homozygotes.

Submission:

Labcorp Genetics (formerly Invitae), Labcorp
Classification: Uncertain significance for Alstrom syndrome. Last evaluated: 2021-10-17. Review status: criteria provided, single submitter. Criteria: Invitae Variant Classification Sherloc (09022015). Collection method: clinical testing. Allele origin: germline.
Comment: This sequence change replaces leucine with methionine at codon 3124 of the ALMS1 protein (p.Leu3124Met). The leucine residue is weakly conserved and there is a small physicochemical difference between leucine and methionine. This variant is present in population databases (rs751613156, ExAC 0.006%). This variant has not been reported in the literature in individuals affected with ALMS1-related conditions. Experimental studies and prediction algorithms are not available or were not evaluated, and the functional significance of this variant is currently unknown. In summary, the available evidence is currently insufficient to determine the role of this variant in disease. Therefore, it has been classified as a Variant of Uncertain Significance.